The following is an entry in ClinVar:

NM_003640.5(ELP1):c.1360+1G>T

Gene: ELP1 (elongator acetyltransferase complex subunit 1; minus strand). Cytogenetic location: 9q31.3.
Variant type: single nucleotide variant.
Coding change: c.1360+1G>T on transcript NM_003640.5 (MANE Select); the canonical splice donor site of the intron after coding-DNA position 1360, G replaced by T.
Molecular consequence: splice donor variant.
Genome position (GRCh38, 1-based): chr9:108,911,009, C>A on the plus strand (G>T on the coding strand, the complement: ELP1 is on the minus strand). VCF-style: chr9-108911009-C-A. GRCh37 (hg19) VCF-style: chr9-111673289-C-A.
Other names: c.1018+1G>T (NM_001318360.2); c.313+1G>T (NM_001330749.2).
Identifiers: ClinVar variation 553041 (VCV000553041.5), dbSNP rs1201626345, ClinGen allele CA374428559.

ClinVar aggregate classification (germline): Likely pathogenic. Review status: criteria provided, single submitter (1 of 4 stars). 2 submissions from 2 submitters: Likely pathogenic (1). 1 of the submissions does not count toward it. Last evaluated 2023-06-20.

Conditions:
Familial dysautonomia. Also called: FD; HSAN III. Identifiers: Orphanet 1764, MedGen C0013364, MONDO:0009131, OMIM 223900. Disease mechanism: loss of function.

Submissions (2):

Labcorp Genetics (formerly Invitae), Labcorp
Classification: Likely pathogenic. Last evaluated: 2023-06-20. Review status: criteria provided, single submitter. Criteria: Invitae Variant Classification Sherloc (09022015). Collection method: clinical testing. Allele origin: germline.
Comment: This sequence change affects a donor splice site in intron 12 of the ELP1 gene. It is expected to disrupt RNA splicing. Variants that disrupt the donor or acceptor splice site typically lead to a loss of protein function (PMID: 16199547), and loss-of-function variants in ELP1 are known to be pathogenic (PMID: 18303054, 24173031). This variant is not present in population databases (gnomAD no frequency). This variant has not been reported in the literature in individuals affected with ELP1-related conditions. ClinVar contains an entry for this variant (Variation ID: 553041). Algorithms developed to predict the effect of sequence changes on RNA splicing suggest that this variant may disrupt the consensus splice site. In summary, the currently available evidence indicates that the variant is pathogenic, but additional data are needed to prove that conclusively. Therefore, this variant has been classified as Likely Pathogenic.

Counsyl
Classification: Likely pathogenic for Familial dysautonomia. Last evaluated: 2017-07-25. Review status: no assertion criteria provided. Collection method: clinical testing. Allele origin: unknown. Not counted in ClinVar's aggregate classification.

Literature cited by the submitters: PubMed 16199547 (cited by Labcorp Genetics (formerly Invitae), Labcorp); PubMed 18303054 (cited by Labcorp Genetics (formerly Invitae), Labcorp); PubMed 24173031 (cited by Labcorp Genetics (formerly Invitae), Labcorp).